The following is an entry in ClinVar:

NM_004006.3(DMD):c.8302G>A (p.Gly2768Ser)

Gene: DMD (dystrophin; minus strand). Cytogenetic location: Xp21.1.
Variant type: single nucleotide variant.
Coding change: c.8302G>A on transcript NM_004006.3 (MANE Select); coding-DNA position 8302, G replaced by A.
Protein change: p.Gly2768Ser; replaces glycine 2768 with serine.
Molecular consequence: missense variant.
Genome position (GRCh38, 1-based): chrX:31,507,369, C>T on the plus strand (G>A on the coding strand, the complement: DMD is on the minus strand). VCF-style: chrX-31507369-C-T. GRCh37 (hg19) VCF-style: chrX-31525486-C-T.
Other names: c.8278G>A, p.Gly2760Ser (NM_000109.4); c.8290G>A, p.Gly2764Ser (NM_004009.3); c.7933G>A, p.Gly2645Ser (NM_004010.3); c.4279G>A, p.Gly1427Ser (NM_004011.4); c.4270G>A, p.Gly1424Ser (NM_004012.4); c.922G>A, p.Gly308Ser (NM_004013.3, NM_004020.4, NM_004021.3 and 2 more transcripts); c.115G>A, p.Gly39Ser (NM_004014.3); short protein forms G2760S, G308S, G39S, G1424S, G1427S, G2645S, G2764S, G2768S.
Identifiers: ClinVar variation 2747533 (VCV002747533.3), dbSNP rs2071055609, ClinGen allele CA412656261.

ClinVar aggregate classification (germline): Uncertain significance (1 of 4 stars; one submission).

Conditions:
Duchenne muscular dystrophy (DMD). Also called: MUSCULAR DYSTROPHY, PSEUDOHYPERTROPHIC PROGRESSIVE, DUCHENNE TYPE; Duchenne Muscular Dystrophy (DMD). Identifiers: Orphanet 98896, MedGen C0013264, MONDO:0010679, OMIM 310200.

Submission:

Labcorp Genetics (formerly Invitae), Labcorp
Classification: Uncertain significance for Duchenne muscular dystrophy. Last evaluated: 2023-08-02. Review status: criteria provided, single submitter. Criteria: Invitae Variant Classification Sherloc (09022015). Collection method: clinical testing. Allele origin: germline.
Comment: This sequence change replaces glycine, which is neutral and non-polar, with serine, which is neutral and polar, at codon 2768 of the DMD protein (p.Gly2768Ser). This variant is not present in population databases (gnomAD no frequency). This variant has not been reported in the literature in individuals affected with DMD-related conditions. Advanced modeling of protein sequence and biophysical properties (such as structural, functional, and spatial information, amino acid conservation, physicochemical variation, residue mobility, and thermodynamic stability) performed at Invitae indicates that this missense variant is not expected to disrupt DMD protein function. In summary, the available evidence is currently insufficient to determine the role of this variant in disease. Therefore, it has been classified as a Variant of Uncertain Significance.